The following is an entry in ClinVar:

ClinVar aggregate classification (germline): Uncertain significance. Review status: criteria provided, multiple submitters, no conflicts (2 of 4 stars). 2 submissions from 2 submitters: Uncertain significance (2). Last evaluated 2025-08-22.

Allele frequency attached by ClinVar (database versions not stated): TOPMed 0.00002.

Submissions (2):

Ambry Genetics
Classification: Uncertain significance. Last evaluated: 2025-08-22. Review status: criteria provided, single submitter. Criteria: Ambry Variant Classification Scheme 2023. Collection method: clinical testing. Allele origin: germline.
Comment: The p.G3E variant (also known as c.8G>A), located in coding exon 1 of the GALNT12 gene, results from a G to A substitution at nucleotide position 8. The glycine at codon 3 is replaced by glutamic acid, an amino acid with similar properties. This amino acid position is well conserved in available vertebrate species. In addition, this alteration is predicted to be tolerated by in silico analysis. Since supporting evidence is limited at this time, the clinical significance of this alteration remains unclear.

Labcorp Genetics (formerly Invitae), Labcorp
Classification: Uncertain significance. Last evaluated: 2023-08-01. Review status: criteria provided, single submitter. Criteria: Invitae Variant Classification Sherloc (09022015). Collection method: clinical testing. Allele origin: germline.
Comment: This sequence change replaces glycine, which is neutral and non-polar, with glutamic acid, which is acidic and polar, at codon 3 of the GALNT12 protein (p.Gly3Glu). This variant is not present in population databases (gnomAD no frequency). In summary, the available evidence is currently insufficient to determine the role of this variant in disease. Therefore, it has been classified as a Variant of Uncertain Significance. Experimental studies and prediction algorithms are not available or were not evaluated, and the functional significance of this variant is currently unknown. ClinVar contains an entry for this variant (Variation ID: 1765424). This variant has not been reported in the literature in individuals affected with GALNT12-related conditions.

NM_024642.5(GALNT12):c.8G>A (p.Gly3Glu)

Gene: GALNT12 (polypeptide N-acetylgalactosaminyltransferase 12; plus strand). Cytogenetic location: 9q22.33.
Variant type: single nucleotide variant.
Coding change: c.8G>A on transcript NM_024642.5 (MANE Select); coding-DNA position 8, G replaced by A.
Protein change: p.Gly3Glu; replaces glycine 3 with glutamic acid.
Molecular consequence: missense variant.
Genome position (GRCh38, 1-based): chr9:98,807,706, G>A. VCF-style: chr9-98807706-G-A. GRCh37 (hg19) VCF-style: chr9-101569988-G-A.
Other names: short protein forms G3E.
Identifiers: ClinVar variation 1765424 (VCV001765424.7), dbSNP rs1356894484, ClinGen allele CA374221993.